The following is an entry in ClinVar:

ClinVar aggregate classification (germline): Likely pathogenic (1 of 4 stars; one submission).

Submission:

CeGaT Center for Human Genetics Tuebingen
Classification: Likely pathogenic. Last evaluated: 2022-07-01. Review status: criteria provided, single submitter. Criteria: CeGaT Center For Human Genetics Tuebingen Variant Classification Criteria Version 2. Collection method: clinical testing. Allele origin: germline. Affected: yes. Observed: 1 variant allele.
Comment: SPAST: PM1, PM2, PM5, PP2, PP3, PS4:Supporting

NM_014946.4(SPAST):c.1153G>T (p.Gly385Trp)

Gene: SPAST (spastin; plus strand). Cytogenetic location: 2p22.3.
Variant type: single nucleotide variant.
Coding change: c.1153G>T on transcript NM_014946.4 (MANE Select); coding-DNA position 1153, G replaced by T.
Protein change: p.Gly385Trp; replaces glycine 385 with tryptophan.
Molecular consequence: missense variant.
Genome position (GRCh38, 1-based): chr2:32,127,002, G>T. VCF-style: chr2-32127002-G-T. GRCh37 (hg19) VCF-style: chr2-32352071-G-T.
Other names: c.1150G>T, p.Gly384Trp (NM_001363823.2); c.1054G>T, p.Gly352Trp (NM_001363875.2); c.1057G>T, p.Gly353Trp (NM_001377959.1, NM_199436.2); short protein forms G352W, G353W, G384W, G385W.
Identifiers: ClinVar variation 1701376 (VCV001701376.31), dbSNP rs2148745015, ClinGen allele CA346501306.